The following is an entry in ClinVar:

ClinVar aggregate classification (germline): Uncertain significance (1 of 4 stars; one submission).

Allele frequency attached by ClinVar (database versions not stated): gnomAD 0.00001; gnomAD exomes 0.00001; TOPMed 0.00001.
gnomAD v4.1: 20 of 1,578,504 alleles (0.0013%); highest among the groups gnomAD compares: Non-Finnish European, 0.0016%; no homozygotes.

Submission:

Labcorp Genetics (formerly Invitae), Labcorp
Classification: Uncertain significance. Last evaluated: 2020-12-17. Review status: criteria provided, single submitter. Criteria: Invitae Variant Classification Sherloc (09022015). Collection method: clinical testing. Allele origin: germline.
Comment: In summary, the available evidence is currently insufficient to determine the role of this variant in disease. Therefore, it has been classified as a Variant of Uncertain Significance. Algorithms developed to predict the effect of missense changes on protein structure and function are either unavailable or do not agree on the potential impact of this missense change (SIFT: "Tolerated"; PolyPhen-2: "Not Available"; Align-GVGD: "Class C0"). This variant has not been reported in the literature in individuals with ERCC6L2-related conditions. This variant is not present in population databases (ExAC no frequency). This sequence change replaces glycine with arginine at codon 4 of the ERCC6L2 protein (p.Gly4Arg). The glycine residue is weakly conserved and there is a moderate physicochemical difference between glycine and arginine.

NM_020207.7(ERCC6L2):c.-24G>C

Gene: ERCC6L2 (ERCC excision repair 6 like 2; plus strand). Cytogenetic location: 9q22.32.
Variant type: single nucleotide variant.
Coding change: c.-24G>C on transcript NM_020207.7 (MANE Select); 24 bases upstream of the start codon, G replaced by C.
Molecular consequence: 5 prime UTR variant. On other transcripts: non-coding transcript variant (1).
Genome position (GRCh38, 1-based): chr9:95,876,015, G>C. VCF-style: chr9-95876015-G-C. GRCh37 (hg19) VCF-style: chr9-98638297-G-C.
Other names: c.-24G>C (NM_001010895.4, NM_001375291.1, NM_001375292.1 and 2 more transcripts).
Identifiers: ClinVar variation 1357077 (VCV001357077.8), dbSNP rs1252283509, ClinGen allele CA374115271.